The following is an entry in ClinVar:

ClinVar aggregate classification (germline): Likely benign (0 of 4 stars; one submission).

Conditions:
TBX3-related disorder. Also called: TBX3-related condition.

gnomAD v4.1: 6 of 1,614,186 alleles (0.00037%); highest among the groups gnomAD compares: Admixed American, 0.0083%; no homozygotes.

Submission:

PreventionGenetics, part of Exact Sciences
Classification: Likely benign for TBX3-related condition. Last evaluated: 2023-05-11. Review status: no assertion criteria provided. Collection method: clinical testing. Allele origin: germline.
Comment: This variant is classified as likely benign based on ACMG/AMP sequence variant interpretation guidelines (Richards et al. 2015 PMID: 25741868, with internal and published modifications).

NM_005996.4(TBX3):c.234C>T (p.Phe78=)

Genes: TBX3 (T-box transcription factor 3; minus strand), TBX3-AS1 (TBX3 antisense RNA 1; plus strand). Cytogenetic location: 12q24.21.
Variant type: single nucleotide variant.
Coding change: c.234C>T on transcript NM_005996.4 (MANE Select); coding-DNA position 234, C replaced by T.
Protein change: p.Phe78=; no amino-acid change (phenylalanine 78 retained).
Molecular consequence: synonymous variant.
Genome position (GRCh38, 1-based): chr12:114,682,967, G>A on the plus strand (C>T on the coding strand, the complement: TBX3 is on the minus strand). VCF-style: chr12-114682967-G-A. GRCh37 (hg19) VCF-style: chr12-115120772-G-A.
Other names: c.234C>T, p.Phe78= (NM_016569.4).
Identifiers: ClinVar variation 3355317 (VCV003355317.1).
Genomic context (GRCh38, chr12:114,682,967, plus strand): 5'-CTCTTCTTCGGGCTCCATGGTCTTCAAAGGCCTCAGATGCGCCTGGGGCCCCAGGGAGGA[G>A]AACGGGATGCCGGTCTCGGCCGCCCCCACCAATTGATCCATGATCGGCTTGGCCAGGGCG-3'
Protein context (NP_005987.3, residues 68-88): LVGAAETGIP[Phe78=]SSLGPQAHLR